The following is an entry in ClinVar:

ClinVar aggregate classification (germline): Uncertain significance (1 of 4 stars; one submission).

Submission:

GeneDx
Classification: Uncertain significance. Last evaluated: 2023-07-18. Review status: criteria provided, single submitter. Criteria: GeneDx Variant Classification Process June 2021. Collection method: clinical testing. Allele origin: germline. Affected: yes.
Comment: Not observed at significant frequency in large population cohorts (gnomAD); In silico analysis supports that this missense variant has a deleterious effect on protein structure/function; Has not been previously published as pathogenic or benign to our knowledge

NM_006265.3(RAD21):c.1121C>G (p.Ser374Cys)

Gene: RAD21 (RAD21 cohesin complex component; minus strand). Cytogenetic location: 8q24.11.
Variant type: single nucleotide variant.
Coding change: c.1121C>G on transcript NM_006265.3 (MANE Select); coding-DNA position 1121, C replaced by G.
Protein change: p.Ser374Cys; replaces serine 374 with cysteine.
Molecular consequence: missense variant.
Genome position (GRCh38, 1-based): chr8:116,854,285, G>C on the plus strand (C>G on the coding strand, the complement: RAD21 is on the minus strand). VCF-style: chr8-116854285-G-C. GRCh37 (hg19) VCF-style: chr8-117866524-G-C.
Other names: short protein forms S374C.
Identifiers: ClinVar variation 3361201 (VCV003361201.1).